The following is an entry in ClinVar:

NM_024496.4(IRF2BPL):c.1663G>A (p.Glu555Lys)

Gene: IRF2BPL (interferon regulatory factor 2 binding protein like; minus strand). Cytogenetic location: 14q24.3.
Variant type: single nucleotide variant.
Coding change: c.1663G>A on transcript NM_024496.4 (MANE Select); coding-DNA position 1663, G replaced by A.
Protein change: p.Glu555Lys; replaces glutamic acid 555 with lysine.
Molecular consequence: missense variant.
Genome position (GRCh38, 1-based): chr14:77,026,130, C>T on the plus strand (G>A on the coding strand, the complement: IRF2BPL is on the minus strand). VCF-style: chr14-77026130-C-T. GRCh37 (hg19) VCF-style: chr14-77492473-C-T.
Other names: short protein forms E555K.
Identifiers: ClinVar variation 3257384 (VCV003257384.17).

ClinVar aggregate classification (germline): Uncertain significance (1 of 4 stars; one submission).

Submission:

CeGaT Center for Human Genetics Tuebingen
Classification: Uncertain significance. Last evaluated: 2024-07-01. Review status: criteria provided, single submitter. Criteria: CeGaT Center For Human Genetics Tuebingen Variant Classification Criteria Version 2. Collection method: clinical testing. Allele origin: germline. Affected: yes. Observed: 1 variant allele.
Comment: IRF2BPL: PM2